The following is an entry in ClinVar:

ClinVar aggregate classification (germline): Uncertain significance (1 of 4 stars; one submission).

Conditions:
Spastic paraplegia. Identifiers: MedGen C0037772, HP:0001258.

Allele frequency attached by ClinVar (database versions not stated): ExAC 0.00002; gnomAD 0.00002; TOPMed 0.00002; ESP Exome Variant Server 0.00008.
gnomAD v4.1: 25 of 1,608,618 alleles (0.0016%); highest among the groups gnomAD compares: South Asian, 0.0044%; no homozygotes.

Submission:

Labcorp Genetics (formerly Invitae), Labcorp
Classification: Uncertain significance for Spastic paraplegia. Last evaluated: 2022-02-01. Review status: criteria provided, single submitter. Criteria: Invitae Variant Classification Sherloc (09022015). Collection method: clinical testing. Allele origin: germline.
Comment: This variant is present in population databases (rs371548577, gnomAD 0.003%). In summary, the available evidence is currently insufficient to determine the role of this variant in disease. Therefore, it has been classified as a Variant of Uncertain Significance. Algorithms developed to predict the effect of missense changes on protein structure and function are either unavailable or do not agree on the potential impact of this missense change (SIFT: "Deleterious"; PolyPhen-2: "Probably Damaging"; Align-GVGD: "Class C0"). This variant has not been reported in the literature in individuals affected with ARSI-related conditions. This sequence change replaces arginine, which is basic and polar, with tryptophan, which is neutral and slightly polar, at codon 510 of the ARSI protein (p.Arg510Trp).

NM_001012301.4(ARSI):c.1528C>T (p.Arg510Trp)

Gene: ARSI (arylsulfatase family member I; minus strand). Cytogenetic location: 5q32.
Variant type: single nucleotide variant.
Coding change: c.1528C>T on transcript NM_001012301.4 (MANE Select); coding-DNA position 1528, C replaced by T.
Protein change: p.Arg510Trp; replaces arginine 510 with tryptophan.
Molecular consequence: missense variant.
Genome position (GRCh38, 1-based): chr5:150,297,396, G>A on the plus strand (C>T on the coding strand, the complement: ARSI is on the minus strand). VCF-style: chr5-150297396-G-A. GRCh37 (hg19) VCF-style: chr5-149676959-G-A.
Other names: short protein forms R510W.
Identifiers: ClinVar variation 2086319 (VCV002086319.4), dbSNP rs371548577, ClinGen allele CA3510062.